The following is an entry in ClinVar:

NM_003265.3(TLR3):c.-7C>A

Gene: TLR3 (toll like receptor 3; plus strand). Cytogenetic location: 4q35.1.
Variant type: single nucleotide variant.
Coding change: c.-7C>A on transcript NM_003265.3 (MANE Select); 7 bases upstream of the start codon, C replaced by A.
Molecular consequence: 5 prime UTR variant.
Genome position (GRCh38, 1-based): chr4:186,076,613, C>A. VCF-style: chr4-186076613-C-A. GRCh37 (hg19) VCF-style: chr4-186997767-C-A.
Other names: c.-7C>A (NM_003265.2).
Identifiers: ClinVar variation 1166908 (VCV001166908.11), dbSNP rs3775296, ClinGen allele CA3161135.

ClinVar aggregate classification (germline): Benign. Review status: criteria provided, multiple submitters, no conflicts (2 of 4 stars). 4 submissions from 4 submitters: Benign (4). Last evaluated 2026-01-26.

Conditions:
Encephalopathy, acute, infection-induced (herpes-specific), susceptibility to, 1. Also called: Herpes simplex encephalitis, susceptibility to, 1. Identifiers: Orphanet 1930, MedGen C2750180, MONDO:0024563, OMIM 610551.

Allele frequency attached by ClinVar (database versions not stated): ExAC 0.18245; TOPMed 0.17816; gnomAD 0.17914 and 0.17880; 1000 Genomes Project 30x 0.17973; 1000 Genomes Project 0.18171; ESP Exome Variant Server 0.18307; gnomAD exomes 0.18276 and 0.18829.
gnomAD v4.1: 302,171 of 1,612,512 alleles (19%); highest among the groups gnomAD compares: East Asian, 26%; 28,787 homozygotes.

Submissions (4):

Labcorp Genetics (formerly Invitae), Labcorp
Classification: Benign for Encephalopathy, acute, infection-induced (herpes-specific), susceptibility to, 1. Last evaluated: 2026-01-26. Review status: criteria provided, single submitter. Criteria: Invitae Variant Classification Sherloc (09022015). Collection method: clinical testing. Allele origin: germline.

Unidad de Genómica Garrahan, Hospital de Pediatría Garrahan
Classification: Benign. Last evaluated: 2024-01-24. Review status: criteria provided, single submitter. Criteria: ACMG Guidelines, 2015. Collection method: clinical testing. Allele origin: germline. Affected: no. Observed: 33 variant alleles.
Comment: This variant is classified as Benign based on local population frequency. This variant was detected in 35% of patients studied by a panel of primary immunodeficiencies. Number of patients: 33. Only high quality variants are reported.

Mayo Clinic Laboratories, Mayo Clinic
Classification: Benign. Last evaluated: 2023-08-21. Review status: criteria provided, single submitter. Criteria: ACMG Guidelines, 2015. Collection method: clinical testing. Allele origin: germline. Observed: 31 variant alleles.
Comment: BA1

Breakthrough Genomics
Classification: Benign. Review status: criteria provided, single submitter. Criteria: ACMG Guidelines, 2015. Collection method: not provided. Allele origin: germline. Inheritance: Autosomal dominant inheritance. Affected: yes.

Literature cited by the submitters: PubMed 23255072 (cited by Mayo Clinic Laboratories, Mayo Clinic).